The following is an entry in ClinVar:

NM_003742.4(ABCB11):c.3214-3C>G

Gene: ABCB11 (ATP binding cassette subfamily B member 11; minus strand). Cytogenetic location: 2q31.1.
Variant type: single nucleotide variant.
Coding change: c.3214-3C>G on transcript NM_003742.4 (MANE Select); 3 bases into the intron before coding-DNA position 3214, C replaced by G.
Molecular consequence: intron variant.
Genome position (GRCh38, 1-based): chr2:168,930,865, G>C on the plus strand (C>G on the coding strand, the complement: ABCB11 is on the minus strand). VCF-style: chr2-168930865-G-C. GRCh37 (hg19) VCF-style: chr2-169787375-G-C.
Identifiers: ClinVar variation 4846711 (VCV004846711.1).

ClinVar aggregate classification (germline): Uncertain significance (1 of 4 stars; one submission).

Conditions:
Familial intrahepatic cholestasis. Identifiers: Orphanet 284385, MedGen CN296401, MONDO:0017290.

Submission:

Genomenon, Inc
Classification: Uncertain significance for Familial intrahepatic cholestasis. Last evaluated: 2026-04-14. Review status: criteria provided, single submitter. Criteria: Genomenon Sequence Variant Interpretation Standards - Updated. Collection method: curation. Allele origin: germline. Affected: yes.
Comment: ABCB11 c.3214-3C>G is an intronic variant located in the acceptor splice region of intron 24. This variant has been observed in at least one proband with an ABCB11-related disorder (PMID:37471416). It is absent or not present at a significant frequency in gnomAD. In silico models predict that this variant is possibly or probably damaging. In conclusion, we classify ABCB11 c.3214-3C>G as a variant of uncertain significance.

Literature cited by the submitters: PubMed 37471416.